The following is an entry in ClinVar:

NM_000424.4(KRT5):c.1313C>A (p.Ala438Asp)

Genes: KRT5 (keratin 5; minus strand), LOC126861525 (BRD4-independent group 4 enhancer GRCh37_chr12:52909857-52911056; plus strand). Cytogenetic location: 12q13.13.
Variant type: single nucleotide variant.
Coding change: c.1313C>A on transcript NM_000424.4 (MANE Select); coding-DNA position 1313, C replaced by A.
Protein change: p.Ala438Asp; replaces alanine 438 with aspartic acid.
Molecular consequence: missense variant.
Genome position (GRCh38, 1-based): chr12:52,516,763, G>T on the plus strand (C>A on the coding strand, the complement: KRT5 is on the minus strand). VCF-style: chr12-52516763-G-T. GRCh37 (hg19) VCF-style: chr12-52910547-G-T.
Other names: short protein forms A438D.
Identifiers: ClinVar variation 66205 (VCV000066205.5), dbSNP rs57845028, ClinGen allele CA216654.

ClinVar aggregate classification (germline): Likely pathogenic. Review status: criteria provided, multiple submitters, no conflicts (2 of 4 stars). 3 submissions from 3 submitters: Likely pathogenic (2). 1 of the submissions does not count toward it. Last evaluated 2025-11-27.

Conditions:
Dowling-Degos disease 1. Identifiers: Orphanet 79145, MedGen C4552092, MONDO:0024534, OMIM 179850.
Epidermolysis bullosa simplex 2A, generalized severe. Also called: Epidermolysis bullosa simplex 2, severe; Epidermolysis bullosa simplex 2, generalized severe; Epidermolysis bullosa simplex 2, Dowling-Meara type. Identifiers: MedGen CN301077, MONDO:0030489, OMIM 619555.
Epidermolysis bullosa simplex 2B, generalized intermediate (EBS2B). Also called: Epidermolysis bullosa simplex 2B, Koebner type. Identifiers: MedGen C5562009, MONDO:0030525, OMIM 619588.
Epidermolysis bullosa simplex 2C, localized (EBS2C). Also called: Epidermolysis bullosa simplex 2C, Weber-Cockayne type. Identifiers: MedGen C5562011, MONDO:0030527, OMIM 619594.
Epidermolysis bullosa simplex 2d, generalized, intermediate or severe, autosomal recessive. Identifiers: MedGen C5562014, MONDO:0030535, OMIM 619599.
Epidermolysis bullosa simplex with migratory circinate erythema. Also called: Epidermolysis bullosa simplex 2E, with migratory circinate erythema. Identifiers: Orphanet 158681, MedGen C1836284, MONDO:0012258, OMIM 609352.
Epidermolysis bullosa simplex with mottled pigmentation (EBS2F). Also called: EPIDERMOLYSIS BULLOSA SIMPLEX 2F, WITH MOTTLED PIGMENTATION; SPECKLED HYPERPIGMENTATION WITH PUNCTATE PALMOPLANTAR KERATOSES AND CHILDHOOD BLISTERING. Identifiers: Orphanet 79397, MedGen C0432316, MONDO:0007556, OMIM 131960.

Submissions (3):

Labcorp Genetics (formerly Invitae), Labcorp
Classification: Likely pathogenic. Last evaluated: 2025-11-27. Review status: criteria provided, single submitter. Criteria: Invitae Variant Classification Sherloc (09022015). Collection method: clinical testing. Allele origin: germline.
Comment: This sequence change replaces alanine, which is neutral and non-polar, with aspartic acid, which is acidic and polar, at codon 438 of the KRT5 protein (p.Ala438Asp). This variant is not present in population databases (gnomAD no frequency). This missense change has been observed in individual(s) with clinical features of epidermolysis bullosa simplex (PMID: 12655565; internal data). In at least one individual the variant was observed to be de novo. ClinVar contains an entry for this variant (Variation ID: 66205). Invitae Evidence Modeling of protein sequence and biophysical properties (such as structural, functional, and spatial information, amino acid conservation, physicochemical variation, residue mobility, and thermodynamic stability) has been performed for this missense variant. However, the output from this modeling did not meet the statistical confidence thresholds required to predict the impact of this variant on KRT5 protein function. In summary, the currently available evidence indicates that the variant is pathogenic, but additional data are needed to prove that conclusively. Therefore, this variant has been classified as Likely Pathogenic.

Juno Genomics, Hangzhou Juno Genomics, Inc
Classification: Likely pathogenic for Dowling-Degos disease 1; Epidermolysis bullosa simplex 2A, generalized severe; Epidermolysis bullosa simplex 2B, generalized intermediate; Epidermolysis bullosa simplex 2C, localized; Epidermolysis bullosa simplex 2d, generalized, intermediate or severe, autosomal recessive; Epidermolysis bullosa simplex with migratory circinate erythema; Epidermolysis bullosa simplex with mottled pigmentation. Review status: criteria provided, single submitter. Criteria: ACMG Guidelines, 2015. Collection method: clinical testing. Allele origin: germline. Affected: yes.
Comment: Absent from controls (or at extremely low frequency if recessive) in Genome Aggregation Database.;Multiple lines of computational evidence support a deleterious effect on the gene or gene product.;The prevalence of the variant in affected individuals is significantly increased compared to the prevalence in controls.;Assumed de novo, but without confirmation of paternity and maternity.;Patient's phenotype or family history is highly specific for a disease with a single genetic etiology.

Epithelial Biology;  Institute of Medical Biology, Singapore
No classification provided. Review status: no classification provided. Collection method: not provided. Allele origin: not provided. Not counted in ClinVar's aggregate classification.

Literature cited by the submitters: PubMed 12655565 (cited by Labcorp Genetics (formerly Invitae), Labcorp).